The following is an entry in ClinVar:

NM_001298.3(CNGA3):c.1267dup (p.Tyr423fs)

Gene: CNGA3 (cyclic nucleotide gated channel subunit alpha 3; plus strand). Cytogenetic location: 2q11.2.
Variant type: Duplication.
Coding change: c.1267dup on transcript NM_001298.3 (MANE Select); coding-DNA position 1267, one base duplicated (T; older notation c.1267dupT).
Protein change: p.Tyr423fs; shifts the reading frame from tyrosine 423.
Molecular consequence: frameshift variant.
Genome position (GRCh38, 1-based): chr2:98,396,437, T duplicated. VCF-style (leftmost placement, unchanged base first): chr2-98396436-G-GT. GRCh37 (hg19) VCF-style: chr2-99012899-G-GT.
Other names: c.1213dup, p.Tyr405fs (NM_001079878.2); short protein forms Y405fs, Y423fs.
Identifiers: ClinVar variation 1453825 (VCV001453825.8), dbSNP rs1388470784, ClinGen allele CA535104024.

ClinVar aggregate classification (germline): Pathogenic (1 of 4 stars; one submission).

Allele frequency attached by ClinVar (database versions not stated): gnomAD exomes below 0.00001.

Submission:

Labcorp Genetics (formerly Invitae), Labcorp
Classification: Pathogenic. Last evaluated: 2021-05-27. Review status: criteria provided, single submitter. Criteria: Invitae Variant Classification Sherloc (09022015). Collection method: clinical testing. Allele origin: germline.
Comment: This sequence change creates a premature translational stop signal (p.Tyr423Leufs*20) in the CNGA3 gene. While this is not anticipated to result in nonsense mediated decay, it is expected to disrupt the last 272 amino acid(s) of the CNGA3 protein. This variant is not present in population databases (ExAC no frequency). This variant has not been reported in the literature in individuals with CNGA3-related conditions. This variant disrupts the C-terminus of the CNGA3 protein. Other variant(s) that disrupt this region (p.Arg499*) have been determined to be pathogenic (PMID: 24903488, 24269407, 28159970). This suggests that variants that disrupt this region of the protein are likely to be causative of disease. For these reasons, this variant has been classified as Pathogenic.

Literature cited by the submitters: PubMed 24903488; PubMed 24269407; PubMed 28159970.